The following is an entry in ClinVar:

ClinVar aggregate classification (germline): Uncertain significance (1 of 4 stars; one submission).

Conditions:
Inborn genetic diseases. Identifiers: MedGen C0950123, MeSH D030342.

Submission:

Ambry Genetics
Classification: Uncertain significance for Inborn genetic diseases. Last evaluated: 2025-12-22. Review status: criteria provided, single submitter. Criteria: Ambry Variant Classification Scheme 2023. Collection method: clinical testing. Allele origin: germline.
Comment: The p.F237L variant (also known as c.709T>C), located in coding exon 1 of the SAMD9 gene, results from a T to C substitution at nucleotide position 709. The phenylalanine at codon 237 is replaced by leucine, an amino acid with highly similar properties. This amino acid position is conserved. In addition, this alteration is predicted to be tolerated by in silico analysis. Based on the available evidence, the clinical significance of this variant remains unclear.

NM_017654.4(SAMD9):c.709T>C (p.Phe237Leu)

Gene: SAMD9 (sterile alpha motif domain containing 9; minus strand). Cytogenetic location: 7q21.2.
Variant type: single nucleotide variant.
Coding change: c.709T>C on transcript NM_017654.4 (MANE Select); coding-DNA position 709, T replaced by C.
Protein change: p.Phe237Leu; replaces phenylalanine 237 with leucine.
Molecular consequence: missense variant.
Genome position (GRCh38, 1-based): chr7:93,105,389, A>G on the plus strand (T>C on the coding strand, the complement: SAMD9 is on the minus strand). VCF-style: chr7-93105389-A-G. GRCh37 (hg19) VCF-style: chr7-92734702-A-G.
Other names: c.709T>C, p.Phe237Leu (NM_001193307.2); short protein forms F237L.
Identifiers: ClinVar variation 4843121 (VCV004843121.1).
Genomic context (GRCh38, chr7:93,105,389, plus strand): 5'-TGGTATCATTGGTGACTTTGATGCCAACAATTTTCCCATGGGGTTTGTCTTTGACTCCAA[A>G]ATGAATAGTGCCATTGGTACGTGAATTCATACAAGCTGAAGCAAATCGGAAAACCTCATT-3'
Protein context (NP_060124.2, residues 227-247): MNSRTNGTIH[Phe237Leu]GVKDKPHGKI